The following is an entry in ClinVar:

NM_000516.7(GNAS):c.458T>G (p.Leu153Arg)

Gene: GNAS (GNAS complex locus; plus strand). Cytogenetic location: 20q13.32.
Variant type: single nucleotide variant.
Coding change: c.458T>G on transcript NM_000516.7 (MANE Select); coding-DNA position 458, T replaced by G.
Protein change: p.Leu153Arg; replaces leucine 153 with arginine.
Molecular consequence: missense variant. On other transcripts: 3 prime UTR variant (2).
Genome position (GRCh38, 1-based): chr20:58,905,408, T>G. VCF-style: chr20-58905408-T-G. GRCh37 (hg19) VCF-style: chr20-57480463-T-G.
Other names: c.416T>G, p.Leu139Arg (NM_080426.4); c.461T>G, p.Leu154Arg (NM_001077488.5); c.413T>G, p.Leu138Arg (NM_001077489.4); c.*319T>G (NM_001077490.3); c.281T>G, p.Leu94Arg (NM_001309840.2, NM_001309861.2); c.*364T>G (NM_016592.5); c.2387T>G, p.Leu796Arg (NM_080425.4); c.458T>G (NM_000516.4); short protein forms L153R, L796R, L154R, L94R, L138R, L139R.
Identifiers: ClinVar variation 1420354 (VCV001420354.8), dbSNP rs2146209100, ClinGen allele CA409451098.

ClinVar aggregate classification (germline): Uncertain significance. Review status: criteria provided, multiple submitters, no conflicts (2 of 4 stars). 2 submissions from 2 submitters: Uncertain significance (2). Last evaluated 2025-12-16.

Submissions (2):

GeneDx
Classification: Uncertain significance. Last evaluated: 2025-12-16. Review status: criteria provided, single submitter. Criteria: GeneDx Variant Classification Process June 2021. Collection method: clinical testing. Allele origin: germline.
Comment: Not observed at significant frequency in large population cohorts (gnomAD); In silico analysis supports that this missense variant has a deleterious effect on protein structure/function; Has not been previously published as pathogenic or benign to our knowledge

Labcorp Genetics (formerly Invitae), Labcorp
Classification: Uncertain significance. Last evaluated: 2021-10-12. Review status: criteria provided, single submitter. Criteria: Invitae Variant Classification Sherloc (09022015). Collection method: clinical testing. Allele origin: germline.
Comment: This sequence change replaces leucine with arginine at codon 153 of the GNAS protein (p.Leu153Arg). The leucine residue is highly conserved and there is a moderate physicochemical difference between leucine and arginine. This variant is not present in population databases (ExAC no frequency). This variant has not been reported in the literature in individuals affected with GNAS-related conditions. Algorithms developed to predict the effect of missense changes on protein structure and function are either unavailable or do not agree on the potential impact of this missense change (SIFT: "Deleterious"; PolyPhen-2: "Probably Damaging"; Align-GVGD: "Class C0"). In summary, the available evidence is currently insufficient to determine the role of this variant in disease. Therefore, it has been classified as a Variant of Uncertain Significance.